The following is an entry in ClinVar:

NM_002474.3(MYH11):c.3294-13C>G

Gene: MYH11 (myosin heavy chain 11; minus strand). Cytogenetic location: 16p13.11.
Variant type: single nucleotide variant.
Coding change: c.3294-13C>G on transcript NM_002474.3 (MANE Select); 13 bases into the intron before coding-DNA position 3294, C replaced by G.
Molecular consequence: intron variant.
Genome position (GRCh38, 1-based): chr16:15,735,591, G>C on the plus strand (C>G on the coding strand, the complement: MYH11 is on the minus strand). VCF-style: chr16-15735591-G-C. GRCh37 (hg19) VCF-style: chr16-15829448-G-C.
Other names: c.3315-13C>G (NM_001040113.2, NM_001040114.2); c.3294-13C>G (NM_022844.3).
Identifiers: ClinVar variation 921465 (VCV000921465.8), dbSNP rs143110271, ClinGen allele CA7922026.

ClinVar aggregate classification (germline): Likely benign. Review status: criteria provided, multiple submitters, no conflicts (2 of 4 stars). 3 submissions from 3 submitters: Likely benign (3). Last evaluated 2025-11-12.

Conditions:
Familial thoracic aortic aneurysm and aortic dissection (TAAD). Also called: Thoracic aortic aneurysms and dissections. Identifiers: Orphanet 91387, MedGen C4707243, MONDO:0019625.
Aortic aneurysm, familial thoracic 4 (AAT4). Also called: AORTIC ANEURYSM/AORTIC DISSECTION AND PATENT DUCTUS ARTERIOSUS. Identifiers: MedGen C1851504, MONDO:0007568, OMIM 132900.

Allele frequency attached by ClinVar (database versions not stated): gnomAD exomes 0.00002 and 0.00006; ExAC 0.00008; ESP Exome Variant Server 0.00015; 1000 Genomes Project 30x 0.00016; 1000 Genomes Project 0.00020; gnomAD 0.00025 and 0.00026; TOPMed 0.00028.
gnomAD v4.1: 71 of 1,614,042 alleles (0.0044%); highest among the groups gnomAD compares: African/African-American, 0.085%; no homozygotes.

Submissions (3):

Labcorp Genetics (formerly Invitae), Labcorp
Classification: Likely benign for Aortic aneurysm, familial thoracic 4. Last evaluated: 2025-11-12. Review status: criteria provided, single submitter. Criteria: Invitae Variant Classification Sherloc (09022015). Collection method: clinical testing. Allele origin: germline.

All of Us Research Program, National Institutes of Health
Classification: Likely benign for Familial thoracic aortic aneurysm and aortic dissection. Last evaluated: 2024-02-05. Review status: criteria provided, single submitter. Criteria: ACMG Guidelines, 2015. Collection method: clinical testing. Allele origin: germline. Inheritance: Autosomal dominant inheritance. Observed: 17 variant alleles, 17 heterozygotes.
Comment: This study involves interpretation of variants in research participants for the purpose of population health screening. Participant phenotype was not available at the time of variant classification. Additional details can be found in publication PMID: 35346344, PMCID: PMC8962531

Color Diagnostics, LLC DBA Color Health
Classification: Likely benign for Familial thoracic aortic aneurysm and aortic dissection. Last evaluated: 2019-02-10. Review status: criteria provided, single submitter. Criteria: ACMG Guidelines, 2015. Collection method: clinical testing. Allele origin: germline.